The following is an entry in ClinVar:

NM_001040108.2(MLH3):c.602T>C (p.Leu201Pro)

Gene: MLH3 (mutL homolog 3; minus strand). Cytogenetic location: 14q24.3.
Variant type: single nucleotide variant.
Coding change: c.602T>C on transcript NM_001040108.2 (MANE Select); coding-DNA position 602, T replaced by C.
Protein change: p.Leu201Pro; replaces leucine 201 with proline.
Molecular consequence: missense variant.
Genome position (GRCh38, 1-based): chr14:75,049,054, A>G on the plus strand (T>C on the coding strand, the complement: MLH3 is on the minus strand). VCF-style: chr14-75049054-A-G. GRCh37 (hg19) VCF-style: chr14-75515757-A-G.
Other names: c.602T>C, p.Leu201Pro (NM_014381.3); short protein forms L201P.
Identifiers: ClinVar variation 3232586 (VCV003232586.1), dbSNP rs2139602615, ClinGen allele CA390449801.
Genomic context (GRCh38, chr14:75,049,054, plus strand): 5'-TGGGACTTTCCCAATCCATAAATTTGACAAAATCGGGAACATACGTCTTTGGTTTTAGGG[A>G]GCTGAAGAACCATGGAACCAGAAACATCATTTCTCAAAGAGAAAGAAATGGAAGGGTGCA-3'
Protein context (NP_001035197.1, residues 191-211): NDVSGSMVLQ[Leu201Pro]PKTKDVCSRF

ClinVar aggregate classification (germline): Uncertain significance (1 of 4 stars; one submission).

Submission:

Ambry Genetics
Classification: Uncertain significance. Last evaluated: 2024-02-04. Review status: criteria provided, single submitter. Criteria: Ambry Variant Classification Scheme 2023. Collection method: clinical testing. Allele origin: germline.
Comment: The p.L201P variant (also known as c.602T>C), located in coding exon 1 of the MLH3 gene, results from a T to C substitution at nucleotide position 602. The leucine at codon 201 is replaced by proline, an amino acid with similar properties. This amino acid position is conserved. In addition, the in silico prediction for this alteration is inconclusive. Based on the available evidence, the clinical significance of this alteration remains unclear.